The following is an entry in ClinVar:

ClinVar aggregate classification (germline): Uncertain significance. Review status: criteria provided, single submitter (1 of 4 stars). 2 submissions from 2 submitters: Uncertain significance (1). 1 of the submissions does not count toward it. Last evaluated 2025-06-27.

Conditions:
LEPR-related disorder. Also called: LEPR-related condition; LEPR-related disorders.

Allele frequency attached by ClinVar (database versions not stated): gnomAD exomes below 0.00001; ExAC 0.00001; gnomAD 0.00001; TOPMed 0.00002.
gnomAD v4.1: 7 of 1,613,808 alleles (0.00043%); highest among the groups gnomAD compares: African/African-American, 0.0027%; no homozygotes.

Submissions (2):

Dasa
Classification: Uncertain significance. Last evaluated: 2025-06-27. Review status: criteria provided, single submitter. Criteria: DASA Assertion Criteria. Collection method: clinical testing. Allele origin: germline.
Comment: NM_002303.6(LEPR):c.2720C>T (p.Thr907Ile) is a missense variant that results in the substitution of threonine with isoleucine. This variant is rare in population databases. Computational prediction algorithms are consistent with a benign effect. The currently available literature and clinical evidence are not sufficient to establish a definitive association between this variant and the reported condition. Therefore, this variant is classified as a variant of uncertain significance.

PreventionGenetics, part of Exact Sciences
Classification: Uncertain significance for LEPR-related condition. Last evaluated: 2024-01-02. Review status: no assertion criteria provided. Collection method: clinical testing. Allele origin: germline. Not counted in ClinVar's aggregate classification.
Comment: The LEPR c.2720C>T variant is predicted to result in the amino acid substitution p.Thr907Ile. To our knowledge, this variant has not been reported in the literature. This variant is reported in 0.0062% of alleles in individuals of African descent in gnomAD. At this time, the clinical significance of this variant is uncertain due to the absence of conclusive functional and genetic evidence.

NM_002303.6(LEPR):c.2720C>T (p.Thr907Ile)

Gene: LEPR (leptin receptor; plus strand). Cytogenetic location: 1p31.3.
Variant type: single nucleotide variant.
Coding change: c.2720C>T on transcript NM_002303.6 (MANE Select); coding-DNA position 2720, C replaced by T.
Protein change: p.Thr907Ile; replaces threonine 907 with isoleucine.
Molecular consequence: missense variant.
Genome position (GRCh38, 1-based): chr1:65,636,237, C>T. VCF-style: chr1-65636237-C-T. GRCh37 (hg19) VCF-style: chr1-66101920-C-T.
Other names: short protein forms T907I.
Identifiers: ClinVar variation 3031184 (VCV003031184.4), dbSNP rs774053665, ClinGen allele CA895153.